The following is an entry in ClinVar:

ClinVar aggregate classification (germline): Uncertain significance (1 of 4 stars; one submission).

Conditions:
Cryopyrin associated periodic syndrome (CAPS). Identifiers: Orphanet 208650, MedGen C2316212, MONDO:0016168.

Submission:

Labcorp Genetics (formerly Invitae), Labcorp
Classification: Uncertain significance for Cryopyrin associated periodic syndrome. Last evaluated: 2022-12-15. Review status: criteria provided, single submitter. Criteria: Invitae Variant Classification Sherloc (09022015). Collection method: clinical testing. Allele origin: germline.
Comment: This variant is also known as R260L. This sequence change replaces arginine, which is basic and polar, with leucine, which is neutral and non-polar, at codon 262 of the NLRP3 protein (p.Arg262Leu). This variant is not present in population databases (gnomAD no frequency). This missense change has been observed in individual(s) with cryopyrin-associated periodic syndrome and/or NLRP3-related conditions (PMID: 14630794, 29047407). ClinVar contains an entry for this variant (Variation ID: 97970). Algorithms developed to predict the effect of variants on protein structure and function are not available or were not evaluated for this variant. Experimental studies have shown that this missense change affects NLRP3 function (PMID: 20506209). This variant disrupts the p.Arg262 amino acid residue in NLRP3. Other variant(s) that disrupt this residue have been determined to be pathogenic (PMID: 14630794, 22566169, 28916543). This suggests that this residue is clinically significant, and that variants that disrupt this residue are likely to be disease-causing. In summary, the available evidence is currently insufficient to determine the role of this variant in disease. Therefore, it has been classified as a Variant of Uncertain Significance.

Literature cited by the submitters: PubMed 14630794; PubMed 29047407; PubMed 20506209; PubMed 22566169; PubMed 28916543.

NM_001243133.2(NLRP3):c.779_780delinsTG (p.Arg260Leu)

Gene: NLRP3 (NLR family pyrin domain containing 3; plus strand). Cytogenetic location: 1q44.
Variant type: Indel.
Coding change: c.779_780delinsTG on transcript NM_001243133.2 (MANE Select); coding-DNA positions 779 to 780, GA replaced by TG.
Protein change: p.Arg260Leu; replaces arginine 260 with leucine.
Molecular consequence: missense variant.
Genome position (GRCh38, 1-based): chr1:247,424,228-247,424,229, GA replaced by TG. VCF-style: chr1-247424228-GA-TG. GRCh37 (hg19) VCF-style: chr1-247587530-GA-TG.
Other names: c.779_780delinsTG, p.Arg260Leu (NM_001079821.3, NM_001127461.3, NM_001127462.3 and 1 more transcripts); c.785_786delinsTG, p.Arg262Leu (NM_004895.5); short protein forms R262L, R260L.
Identifiers: ClinVar variation 2808959 (VCV002808959.3), dbSNP rs2527260044, ClinGen allele CA2739274112.